The following is an entry in ClinVar:

ClinVar aggregate classification (germline): Pathogenic/Likely pathogenic. Review status: criteria provided, multiple submitters, no conflicts (2 of 4 stars). 2 submissions from 2 submitters: Pathogenic (1); Likely pathogenic (1). Last evaluated 2024-11-27.

Conditions:
IDH3B-related disorders.

Allele frequency attached by ClinVar (database versions not stated): gnomAD 0.00001; gnomAD exomes 0.00002 and 0.00003; TOPMed 0.00002.
gnomAD v4.1: 54 of 1,614,090 alleles (0.0033%); highest among the groups gnomAD compares: Non-Finnish European, 0.0043%; no homozygotes.

Submissions (2):

Blueprint Genetics
Classification: Likely pathogenic for IDH3B-related disorders. Last evaluated: 2024-11-27. Review status: criteria provided, single submitter. Criteria: ACMG Guidelines, 2015. Collection method: clinical testing. Allele origin: germline. Affected: yes. Observed: 5 variant alleles.

Labcorp Genetics (formerly Invitae), Labcorp
Classification: Pathogenic. Last evaluated: 2023-12-17. Review status: criteria provided, single submitter. Criteria: Invitae Variant Classification Sherloc (09022015). Collection method: clinical testing. Allele origin: germline.
Comment: This sequence change creates a premature translational stop signal (p.Glu62*) in the IDH3B gene. It is expected to result in an absent or disrupted protein product. Loss-of-function variants in IDH3B are known to be pathogenic (PMID: 18806796). This variant is present in population databases (no rsID available, gnomAD 0.004%). This premature translational stop signal has been observed in individual(s) with autosomal recessive retinitis pigmentosa (PMID: 36819107). ClinVar contains an entry for this variant (Variation ID: 1516744). Algorithms developed to predict the effect of sequence changes on RNA splicing suggest that this variant may disrupt the consensus splice site. For these reasons, this variant has been classified as Pathogenic.

Literature cited by the submitters: PubMed 18806796 (cited by Labcorp Genetics (formerly Invitae), Labcorp); PubMed 36819107 (cited by Labcorp Genetics (formerly Invitae), Labcorp).

NM_006899.5(IDH3B):c.184G>T (p.Glu62Ter)

Gene: IDH3B (isocitrate dehydrogenase (NAD(+)) 3 non-catalytic subunit beta; minus strand). Cytogenetic location: 20p13.
Variant type: single nucleotide variant.
Coding change: c.184G>T on transcript NM_006899.5 (MANE Select); coding-DNA position 184, G replaced by T.
Protein change: p.Glu62Ter; replaces glutamic acid 62 with a stop codon.
Molecular consequence: nonsense. On other transcripts: non-coding transcript variant (1).
Genome position (GRCh38, 1-based): chr20:2,663,692, C>A on the plus strand (G>T on the coding strand, the complement: IDH3B is on the minus strand). VCF-style: chr20-2663692-C-A. GRCh37 (hg19) VCF-style: chr20-2644338-C-A.
Other names: c.184G>T, p.Glu62Ter (NM_001258384.3, NM_001330763.2, NM_174855.4); short protein forms E62*.
Identifiers: ClinVar variation 1516744 (VCV001516744.7), dbSNP rs1448078371, ClinGen allele CA408040212.
Genomic context (GRCh38, chr20:2,663,692, plus strand): 5'-CTACTGTCTGATCCCCGAGGCCACTCACCTTGAACACCTCCTTGACGGCGTGCATCAGCT[C>A]AGGCCCCACACCGTCTCCCGGAAGCATGGTCACGGGAAAGGAGCCCTCCACCCTCACGTC-3'